The following is an entry in ClinVar:

ClinVar aggregate classification (germline): Uncertain significance (1 of 4 stars; one submission).

Submission:

GeneDx
Classification: Uncertain significance. Last evaluated: 2023-06-22. Review status: criteria provided, single submitter. Criteria: GeneDx Variant Classification Process June 2021. Collection method: clinical testing. Allele origin: germline. Affected: yes.
Comment: Not observed at significant frequency in large population cohorts (gnomAD); Has not been previously published as pathogenic or benign to our knowledge; In silico analysis is inconclusive as to whether the variant alters gene splicing. In the absence of RNA/functional studies, the actual effect of this sequence change is unknown.

NM_005052.3(RAC3):c.36-6C>G

Gene: RAC3 (Rac family small GTPase 3; plus strand). Cytogenetic location: 17q25.3.
Variant type: single nucleotide variant.
Coding change: c.36-6C>G on transcript NM_005052.3 (MANE Select); 6 bases into the intron before coding-DNA position 36, C replaced by G.
Molecular consequence: intron variant.
Genome position (GRCh38, 1-based): chr17:82,032,381, C>G. VCF-style: chr17-82032381-C-G. GRCh37 (hg19) VCF-style: chr17-79990257-C-G.
Other names: c.36-6C>G (NM_001316307.2).
Identifiers: ClinVar variation 3360124 (VCV003360124.1).